The following is an entry in ClinVar:

ClinVar aggregate classification (germline): Uncertain significance (1 of 4 stars; one submission).

Conditions:
Inborn genetic diseases. Identifiers: MedGen C0950123, MeSH D030342.

Allele frequency attached by ClinVar (database versions not stated): gnomAD exomes 0.00001.
gnomAD v4.1: 10 of 1,613,970 alleles (0.00062%); highest among the groups gnomAD compares: Non-Finnish European, 0.00076%; no homozygotes.

Submission:

Ambry Genetics
Classification: Uncertain significance for Inborn genetic diseases. Last evaluated: 2022-03-01. Review status: criteria provided, single submitter. Criteria: Ambry Variant Classification Scheme 2023. Collection method: clinical testing. Allele origin: germline.
Comment: The p.P597A variant (also known as c.1789C>G), located in coding exon 15 of the LRRK2 gene, results from a C to G substitution at nucleotide position 1789. The proline at codon 597 is replaced by alanine, an amino acid with highly similar properties. This amino acid position is conserved. In addition, the in silico prediction for this alteration is inconclusive. Since supporting evidence is limited at this time, the clinical significance of this alteration remains unclear.

NM_198578.4(LRRK2):c.1789C>G (p.Pro597Ala)

Gene: LRRK2 (leucine rich repeat kinase 2; plus strand). Cytogenetic location: 12q12.
Variant type: single nucleotide variant.
Coding change: c.1789C>G on transcript NM_198578.4 (MANE Select); coding-DNA position 1789, C replaced by G.
Protein change: p.Pro597Ala; replaces proline 597 with alanine.
Molecular consequence: missense variant.
Genome position (GRCh38, 1-based): chr12:40,274,715, C>G. VCF-style: chr12-40274715-C-G. GRCh37 (hg19) VCF-style: chr12-40668517-C-G.
Other names: short protein forms P597A.
Identifiers: ClinVar variation 1780149 (VCV001780149.2), dbSNP rs2499623666, ClinGen allele CA384403262.